The following is an entry in ClinVar:

ClinVar aggregate classification (germline): Pathogenic (1 of 4 stars; one submission).

Submission:

Labcorp Genetics (formerly Invitae), Labcorp
Classification: Pathogenic. Last evaluated: 2024-03-07. Review status: criteria provided, single submitter. Criteria: Invitae Variant Classification Sherloc (09022015). Collection method: clinical testing. Allele origin: germline.
Comment: This sequence change creates a premature translational stop signal (p.Glu200Argfs*21) in the TSFM gene. While this is not anticipated to result in nonsense mediated decay, it is expected to disrupt the last 147 amino acid(s) of the TSFM protein. This variant is not present in population databases (gnomAD no frequency). This variant has not been reported in the literature in individuals affected with TSFM-related conditions. This variant disrupts a region of the TSFM protein in which other variant(s) (p.Arg333Trp) have been determined to be pathogenic (PMID: 17033963, 21741925, 22277967). This suggests that this is a clinically significant region of the protein, and that variants that disrupt it are likely to be disease-causing. For these reasons, this variant has been classified as Pathogenic.

Literature cited by the submitters: PubMed 17033963; PubMed 21741925; PubMed 22277967.

NM_005726.6(TSFM):c.535_536del (p.Glu179fs)

Gene: TSFM (Ts translation elongation factor, mitochondrial; plus strand). Cytogenetic location: 12q14.1.
Variant type: Microsatellite.
Coding change: c.535_536del on transcript NM_005726.6 (MANE Select); coding-DNA positions 535 to 536, 2 bases deleted (GA; older notation c.535_536delGA).
Protein change: p.Glu179fs; shifts the reading frame from glutamic acid 179.
Molecular consequence: frameshift variant. On other transcripts: intron variant (1).
Genome position (GRCh38, 1-based): chr12:57,793,037-57,793,038, GA deleted; deleting any 2 consecutive bases within chr12:57,793,034-57,793,038 gives the same sequence; the c. name uses the placement nearest the transcript's 3' end. VCF-style (leftmost placement, unchanged base first): chr12-57793033-CAG-C. GRCh37 (hg19) VCF-style: chr12-58186816-CAG-C.
Other names: c.484-3140_484-3139del (NM_001172695.2); c.598_599del, p.Glu200fs (NM_001172696.2); c.535_536del, p.Glu179fs (NM_001172697.2); short protein forms E179fs, E200fs.
Identifiers: ClinVar variation 3644879 (VCV003644879.2).